The following is an entry in ClinVar:

ClinVar aggregate classification (germline): Uncertain significance (1 of 4 stars; one submission).

Allele frequency attached by ClinVar (database versions not stated): gnomAD exomes below 0.00001.
gnomAD v4.1: 1 of 1,614,164 alleles (0.000062%); highest among the groups gnomAD compares: Non-Finnish European, 0.000085%; no homozygotes.

Submission:

Labcorp Genetics (formerly Invitae), Labcorp
Classification: Uncertain significance. Last evaluated: 2023-07-09. Review status: criteria provided, single submitter. Criteria: Invitae Variant Classification Sherloc (09022015). Collection method: clinical testing. Allele origin: germline.
Comment: In summary, the available evidence is currently insufficient to determine the role of this variant in disease. Therefore, it has been classified as a Variant of Uncertain Significance. Advanced modeling of protein sequence and biophysical properties (such as structural, functional, and spatial information, amino acid conservation, physicochemical variation, residue mobility, and thermodynamic stability) performed at Invitae indicates that this missense variant is not expected to disrupt JAK1 protein function. This sequence change replaces leucine, which is neutral and non-polar, with valine, which is neutral and non-polar, at codon 509 of the JAK1 protein (p.Leu509Val). This variant is not present in population databases (gnomAD no frequency). This variant has not been reported in the literature in individuals affected with JAK1-related conditions.

NM_002227.4(JAK1):c.1525C>G (p.Leu509Val)

Gene: JAK1 (Janus kinase 1; minus strand). Cytogenetic location: 1p31.3.
Variant type: single nucleotide variant.
Coding change: c.1525C>G on transcript NM_002227.4 (MANE Select); coding-DNA position 1525, C replaced by G.
Protein change: p.Leu509Val; replaces leucine 509 with valine.
Molecular consequence: missense variant.
Genome position (GRCh38, 1-based): chr1:64,855,632, G>C on the plus strand (C>G on the coding strand, the complement: JAK1 is on the minus strand). VCF-style: chr1-64855632-G-C. GRCh37 (hg19) VCF-style: chr1-65321315-G-C.
Other names: c.1525C>G, p.Leu509Val (NM_001320923.2, NM_001321852.2, NM_001321853.2 and 3 more transcripts); c.1522C>G, p.Leu508Val (NM_001321857.2); short protein forms L508V, L509V.
Identifiers: ClinVar variation 2739625 (VCV002739625.3), dbSNP rs1004358455, ClinGen allele CA23912177.